The following is an entry in ClinVar:

NM_033026.6(PCLO):c.9433A>G (p.Ile3145Val)

Gene: PCLO (piccolo presynaptic cytomatrix protein; minus strand). Cytogenetic location: 7q21.11.
Variant type: single nucleotide variant.
Coding change: c.9433A>G on transcript NM_033026.6 (MANE Select); coding-DNA position 9433, A replaced by G.
Protein change: p.Ile3145Val; replaces isoleucine 3145 with valine.
Molecular consequence: missense variant.
Genome position (GRCh38, 1-based): chr7:82,951,155, T>C on the plus strand (A>G on the coding strand, the complement: PCLO is on the minus strand). VCF-style: chr7-82951155-T-C. GRCh37 (hg19) VCF-style: chr7-82580471-T-C.
Other names: c.9433A>G, p.Ile3145Val (NM_014510.3); short protein forms I3145V.
Identifiers: ClinVar variation 1414116 (VCV001414116.5), dbSNP rs1422807865, ClinGen allele CA367908479.
Genomic context (GRCh38, chr7:82,951,155, plus strand): 5'-AACTGGCACTGATATCAATACCAGTTACTGCAATGTCCGTTTCAGATGCACCTGTTGTTA[T>C]AAAATATGATCTAGGCATTGGCTGGCTATGGTGCATGGCAGGTAATGAAGTCACTGCATC-3'
Protein context (NP_149015.2, residues 3135-3155): HSQPMPRSYF[Ile3145Val]TTGASETDIA

ClinVar aggregate classification (germline): Uncertain significance (1 of 4 stars; one submission).

Allele frequency attached by ClinVar (database versions not stated): gnomAD exomes below 0.00001; TOPMed 0.00001.
gnomAD v4.1: 3 of 1,613,760 alleles (0.00019%); highest among the groups gnomAD compares: Non-Finnish European, 0.00025%; no homozygotes.

Submission:

Labcorp Genetics (formerly Invitae), Labcorp
Classification: Uncertain significance. Last evaluated: 2022-08-16. Review status: criteria provided, single submitter. Criteria: Invitae Variant Classification Sherloc (09022015). Collection method: clinical testing. Allele origin: germline.
Comment: This sequence change replaces isoleucine, which is neutral and non-polar, with valine, which is neutral and non-polar, at codon 3145 of the PCLO protein (p.Ile3145Val). This variant is present in population databases (no rsID available, gnomAD 0.0009%). This variant has not been reported in the literature in individuals affected with PCLO-related conditions. ClinVar contains an entry for this variant (Variation ID: 1414116). Algorithms developed to predict the effect of missense changes on protein structure and function are either unavailable or do not agree on the potential impact of this missense change (SIFT: "Tolerated"; PolyPhen-2: "Not Available"; Align-GVGD: "Class C0"). In summary, the available evidence is currently insufficient to determine the role of this variant in disease. Therefore, it has been classified as a Variant of Uncertain Significance.